The following is an entry in ClinVar:

NM_014795.4(ZEB2):c.650_653dup (p.Gly219fs)

Gene: ZEB2 (zinc finger E-box binding homeobox 2; minus strand). Cytogenetic location: 2q22.3.
Variant type: Duplication.
Coding change: c.650_653dup on transcript NM_014795.4 (MANE Select); coding-DNA positions 650 to 653, 4 bases duplicated (ACCG; older notation c.650_653dupACCG).
Protein change: p.Gly219fs; shifts the reading frame from glycine 219.
Molecular consequence: frameshift variant.
Genome position (GRCh38, 1-based): chr2:144,404,070-144,404,073, CGGT duplicated on the plus strand (ACCG on the coding strand, the reverse complement: ZEB2 is on the minus strand); duplicating any 4 consecutive bases within chr2:144,404,070-144,404,075 gives the same sequence; the c. name uses the placement nearest the transcript's 3' end. VCF-style (leftmost placement, unchanged base first): chr2-144404069-C-CCGGT. GRCh37 (hg19) VCF-style: chr2-145161636-C-CCGGT.
Other names: c.578_581dup, p.Gly195fs (NM_001171653.2); short protein forms G195fs, G219fs.
Identifiers: ClinVar variation 2687502 (VCV002687502.2), dbSNP rs2549109389, ClinGen allele CA2586965039.

ClinVar aggregate classification (germline): Pathogenic (1 of 4 stars; one submission).

Conditions:
Mowat-Wilson syndrome (MOWS). Also called: Classic Mowat-Wilson Syndrome. Identifiers: Orphanet 2152, MedGen C1856113, MONDO:0009341, OMIM 235730.

Submission:

Medical Genetics Unit, Azienda USL-IRCCS di Reggio Emilia
Classification: Pathogenic for Mowat-Wilson syndrome. Last evaluated: 2023-10-20. Review status: criteria provided, single submitter. Criteria: ACMG Guidelines, 2015. Collection method: clinical testing. Allele origin: de novo. Affected: yes. Observed: 1 variant allele.
Comment: Heterozygous variant associated with Mowat-Wilson syndrome in at least 1 individual. ACMG/AMP criteria PVS1, PS2, PM2, PP4

Literature cited by the submitters: PubMed 29300384.